The following is an entry in ClinVar:

NM_006506.5(RASA2):c.2519A>G (p.Lys840Arg)

Gene: RASA2 (RAS p21 protein activator 2; plus strand). Cytogenetic location: 3q23.
Variant type: single nucleotide variant.
Coding change: c.2519A>G on transcript NM_006506.5 (MANE Select); coding-DNA position 2519, A replaced by G.
Protein change: p.Lys840Arg; replaces lysine 840 with arginine.
Molecular consequence: missense variant.
Genome position (GRCh38, 1-based): chr3:141,610,066, A>G. VCF-style: chr3-141610066-A-G. GRCh37 (hg19) VCF-style: chr3-141328908-A-G.
Other names: c.2522A>G, p.Lys841Arg (NM_001303245.3); c.2531A>G, p.Lys844Arg (NM_001303246.3); short protein forms K840R, K844R, K841R.
Identifiers: ClinVar variation 3675952 (VCV003675952.2).

ClinVar aggregate classification (germline): Uncertain significance (1 of 4 stars; one submission).

gnomAD v4.1: 4 of 1,569,560 alleles (0.00025%); highest among the groups gnomAD compares: Middle Eastern, 0.018%; no homozygotes.

Submission:

Labcorp Genetics (formerly Invitae), Labcorp
Classification: Uncertain significance. Last evaluated: 2024-09-12. Review status: criteria provided, single submitter. Criteria: Invitae Variant Classification Sherloc (09022015). Collection method: clinical testing. Allele origin: germline.
Comment: This sequence change replaces lysine, which is basic and polar, with arginine, which is basic and polar, at codon 840 of the RASA2 protein (p.Lys840Arg). This variant is present in population databases (no rsID available, gnomAD 0.01%). This variant has not been reported in the literature in individuals affected with RASA2-related conditions. An algorithm developed to predict the effect of missense changes on protein structure and function (PolyPhen-2) suggests that this variant is likely to be tolerated. In summary, the available evidence is currently insufficient to determine the role of this variant in disease. Therefore, it has been classified as a Variant of Uncertain Significance.